The following is an entry in ClinVar:

ClinVar aggregate classification (germline): Likely benign (1 of 4 stars; one submission).

Submission:

GeneDx
Classification: Likely benign. Last evaluated: 2018-06-14. Review status: criteria provided, single submitter. Criteria: GeneDx Variant Classification (06012015). Collection method: clinical testing. Allele origin: germline. Affected: yes.
Comment: This variant is considered likely benign or benign based on one or more of the following criteria: it is a conservative change, it occurs at a poorly conserved position in the protein, it is predicted to be benign by multiple in silico algorithms, and/or has population frequency not consistent with disease.

NM_033109.5(PNPT1):c.918+153GTTTT[2]

Gene: PNPT1 (polyribonucleotide nucleotidyltransferase 1; minus strand). Cytogenetic location: 2p16.1.
Variant type: Microsatellite.
Coding change: c.918+153GTTTT[2] on transcript NM_033109.5 (MANE Select); two copies in a row of the 5-base unit GTTTT starting at c.918+153; the reference has three copies in a row; one copy, 5 bases deleted.
Molecular consequence: intron variant.
Genome position (GRCh38, 1-based): chr2:55,671,828-55,671,832, AAAAC deleted on the plus strand (GTTTT on the coding strand, the reverse complement: PNPT1 is on the minus strand); deleting any 5 consecutive bases within chr2:55,671,828-55,671,846 gives the same sequence; the position shown is the placement nearest the transcript's 3' end. VCF-style (leftmost placement, unchanged base first): chr2-55671827-AAAAAC-A. GRCh37 (hg19) VCF-style: chr2-55898962-AAAAAC-A.
Identifiers: ClinVar variation 671254 (VCV000671254.1), dbSNP rs147416432, ClinGen allele CA47663164.
Genomic context (GRCh38, chr2:55,671,827, plus strand): 5'-CAGTGAGCTGAGATCATGCCACTGCACACCAGCCTGGGCGACAGAGAGAGACTCTGTCTC[AAAAAC>A]AAAACAAAACAAAAGAATGGAGAAACAATTAGGCTTTTGTTAGTTTTTCATTTAGAGATT-3'